The following is an entry in ClinVar:

NM_002299.4(LCT):c.1902C>T (p.Pro634=)

Gene: LCT (lactase; minus strand). Cytogenetic location: 2q21.3.
Variant type: single nucleotide variant.
Coding change: c.1902C>T on transcript NM_002299.4 (MANE Select); coding-DNA position 1902, C replaced by T.
Protein change: p.Pro634=; no amino-acid change (proline 634 retained).
Molecular consequence: synonymous variant.
Genome position (GRCh38, 1-based): chr2:135,812,762, G>A on the plus strand (C>T on the coding strand, the complement: LCT is on the minus strand). VCF-style: chr2-135812762-G-A. GRCh37 (hg19) VCF-style: chr2-136570332-G-A.
Other names: c.1902C>T (LRG_338t1, NM_002299.3).
Identifiers: ClinVar variation 331198 (VCV000331198.15), dbSNP rs202014246, ClinGen allele CA1888324.

ClinVar aggregate classification (germline): Likely benign. Review status: criteria provided, multiple submitters, no conflicts (2 of 4 stars). 3 submissions from 3 submitters: Likely benign (2). 1 of the submissions does not count toward it. Last evaluated 2025-11-03.

Conditions:
LCT-related disorder. Also called: LCT-related condition.

Allele frequency attached by ClinVar (database versions not stated): gnomAD 0.00001 and 0.00002; TOPMed 0.00003; gnomAD exomes 0.00004 and 0.00011; ExAC 0.00012; 1000 Genomes Project 30x 0.00016; 1000 Genomes Project 0.00020.
gnomAD v4.1: 69 of 1,614,132 alleles (0.0043%); highest among the groups gnomAD compares: East Asian, 0.029%; no homozygotes.

Submissions (3):

Labcorp Genetics (formerly Invitae), Labcorp
Classification: Likely benign. Last evaluated: 2025-11-03. Review status: criteria provided, single submitter. Criteria: Invitae Variant Classification Sherloc (09022015). Collection method: clinical testing. Allele origin: germline.

Blueprint Genetics
Classification: Likely benign. Last evaluated: 2024-03-22. Review status: criteria provided, single submitter. Criteria: ACMG Guidelines, 2015. Collection method: clinical testing. Allele origin: germline.

PreventionGenetics, part of Exact Sciences
Classification: Likely benign for LCT-related condition. Last evaluated: 2019-10-17. Review status: no assertion criteria provided. Collection method: clinical testing. Allele origin: germline. Not counted in ClinVar's aggregate classification.
Comment: This variant is classified as likely benign based on ACMG/AMP sequence variant interpretation guidelines (Richards et al. 2015 PMID: 25741868, with internal and published modifications).